The following is an entry in ClinVar:

ClinVar aggregate classification (germline): Likely pathogenic (1 of 4 stars; one submission).

Conditions:
Rahman syndrome. Also called: HIST1H1E Syndrome. Identifiers: Orphanet 642763, MedGen C4479637, MONDO:0044323, OMIM 617537.

Submission:

3billion
Classification: Likely pathogenic for Rahman syndrome. Last evaluated: 2024-06-06. Review status: criteria provided, single submitter. Criteria: ACMG Guidelines, 2015. Collection method: clinical testing. Allele origin: germline. Affected: yes.
Comment: The variant is not observed in the gnomAD v4.0.0 dataset. Predicted Consequence/Location: Frameshift: predicted to result in a loss or disruption of normal protein function through protein truncation. The predicted truncated protein may be shortened by more than 10%. Therefore, this variant is classified as Likely pathogenic according to the recommendation of ACMG/AMP guideline.

NM_005321.3(H1-4):c.472del (p.Ala158fs)

Gene: H1-4 (H1.4 linker histone, cluster member; plus strand). Cytogenetic location: 6p22.2.
Variant type: Deletion.
Coding change: c.472del on transcript NM_005321.3 (MANE Select); coding-DNA position 472, one base deleted (G; older notation c.472delG).
Protein change: p.Ala158fs; shifts the reading frame from alanine 158.
Molecular consequence: frameshift variant.
Genome position (GRCh38, 1-based): chr6:26,156,862, G deleted; the last of 2 consecutive G bases (chr6:26,156,861-26,156,862); deleting either gives the same sequence. VCF-style (leftmost placement, unchanged base first): chr6-26156860-AG-A. GRCh37 (hg19) VCF-style: chr6-26157088-AG-A.
Other names: short protein forms A158fs.
Identifiers: ClinVar variation 4293006 (VCV004293006.1).